The following is an entry in ClinVar:

ClinVar aggregate classification (germline): Pathogenic (1 of 4 stars; one submission).

Conditions:
Hereditary cancer-predisposing syndrome. Also called: Tumor predisposition; Hereditary Cancer Syndrome; Hereditary neoplastic syndrome; Neoplastic Syndromes, Hereditary. Identifiers: Orphanet 140162, MedGen C0027672, MeSH D009386, MONDO:0015356.

Submission:

Ambry Genetics
Classification: Pathogenic for Hereditary cancer-predisposing syndrome. Last evaluated: 2024-02-27. Review status: criteria provided, single submitter. Criteria: Ambry Variant Classification Scheme 2023. Collection method: clinical testing. Allele origin: germline.
Comment: The c.47_51dupTGGCC pathogenic mutation, located in coding exon 1 of the CDKN2A gene, results from a duplication of TGGCC at nucleotide position 47, causing a translational frameshift with a predicted alternate stop codon (p.T18Wfs*10). This variant is considered to be rare based on population cohorts in the Genome Aggregation Database (gnomAD). This alteration is expected to result in loss of function by premature protein truncation or nonsense-mediated mRNA decay. As such, this alteration is interpreted as a disease-causing mutation.

NM_000077.5(CDKN2A):c.47_51dup (p.Thr18fs)

Gene: CDKN2A (cyclin dependent kinase inhibitor 2A; minus strand). Cytogenetic location: 9p21.3.
Variant type: Duplication.
Coding change: c.47_51dup on transcript NM_000077.5; coding-DNA positions 47 to 51, 5 bases duplicated (TGGCC; older notation c.47_51dupTGGCC).
Protein change: p.Thr18fs; shifts the reading frame from threonine 18.
Molecular consequence: frameshift variant (on NM_000077.4). On other transcripts: intron variant (2).
Genome position (GRCh38, 1-based): chr9:21,974,777-21,974,781, GGCCA duplicated on the plus strand (TGGCC on the coding strand, the reverse complement: CDKN2A is on the minus strand); duplicating any 5 consecutive bases within chr9:21,974,777-21,974,782 gives the same sequence; the c. name uses the placement nearest the transcript's 3' end. VCF-style (leftmost placement, unchanged base first): chr9-21974776-T-TGGCCA. GRCh37 (hg19) VCF-style: chr9-21974775-T-TGGCCA.
Other names: c.47_51dupTGGCC (NM_000077.4); c.46_50dup, p.Thr18Trpfs (NM_000077.6); c.47_51dup, p.Thr18fs (NM_001195132.2, NM_058197.5); c.-3-3573_-3-3569dup (NM_001363763.2); c.194-3573_194-3569dup (NM_058195.4); short protein forms T18fs.
Identifiers: ClinVar variation 3230260 (VCV003230260.1), dbSNP rs2489292008, ClinGen allele CA2825001626.